The following is an entry in ClinVar:

NM_000051.4(ATM):c.1236-4_1236-3dup

Gene: ATM (ATM serine/threonine kinase; plus strand). Cytogenetic location: 11q22.3.
Variant type: Duplication.
Coding change: c.1236-4_1236-3dup on transcript NM_000051.4 (MANE Select); 4 bases into the intron before coding-DNA position 1236 through 3 bases into the intron before coding-DNA position 1236, 2 bases duplicated (TT; older notation c.1236-4_1236-3dupTT).
Molecular consequence: intron variant.
Genome position (GRCh38, 1-based): chr11:108,250,697-108,250,698, TT duplicated; duplicating any 2 consecutive bases within chr11:108,250,684-108,250,698 gives the same sequence; the c. name uses the placement nearest the transcript's 3' end. VCF-style (leftmost placement, unchanged base first): chr11-108250683-C-CTT. GRCh37 (hg19) VCF-style: chr11-108121410-C-CTT.
Other names: c.1236-4_1236-3dupTT (NM_000051.4); c.1236-4_1236-3dup (NM_001351834.2).
Identifiers: ClinVar variation 1328273 (VCV001328273.10), dbSNP rs34325032, ClinGen allele CA6264786.

ClinVar aggregate classification (germline): Benign/Likely benign. Review status: criteria provided, multiple submitters, no conflicts (2 of 4 stars). 8 submissions from 8 submitters: Benign (4); Likely benign (2). 2 of the submissions do not count toward it. Last evaluated 2025-11-25.

Conditions:
ATM-related cancer predisposition. Also called: ATM-related cancer susceptibility. Identifiers: MedGen CN377759, MONDO:0700270.
Hereditary cancer-predisposing syndrome. Also called: Neoplastic Syndromes, Hereditary; Hereditary Cancer Syndrome; Hereditary neoplastic syndrome; Tumor predisposition. Identifiers: Orphanet 140162, MedGen C0027672, MeSH D009386, MONDO:0015356.

Submissions (8):

Dasa
Classification: Benign for ATM-related cancer predisposition. Last evaluated: 2025-11-25. Review status: criteria provided, single submitter. Criteria: DASA Assertion Criteria. Collection method: clinical testing. Allele origin: germline.
Comment: NM_000051.4(ATM):c.1236-4_1236-3dup is a splice-region variant. Population frequency is inconsistent with a disease-causing role for this variant. Therefore, based on the currently available evidence, this variant is classified as benign.

Molecular Diagnostics Laboratory, Catalan Institute of Oncology
Classification: Benign for Hereditary cancer-predisposing syndrome. Last evaluated: 2025-07-23. Review status: criteria provided, single submitter. Criteria: ClinGen ACMG Specifications ATM V1.1.0. Collection method: clinical testing. Allele origin: germline.
Comment: BA1, BP4 c.1236-4_1236-3dup is located in intron 9 close to a canonical splice site of the ATM gene. The variant allele was found in 1877/178754 alleles (3 homozygous) in general population, with a filter allele frequency of 1.19% at 99% confidence, within the Admixed American population in the gnomAD v2.1.1 database (non-cancer dataset)(BA1). The SpliceAI algorithm predicts no significant impact on splicing (BP4). To our knowledge, functional studies have not been reported for this variant. In addition, this variant has been reported in ClinVar (4x benign, 1x likely benign) and in LOVD database (3x benign, 1x likely benign). Based on the currently available information, c.1236-4_1236-3dup is classified as a benign variant according to ClinGen-ATM Guidelines version 1.1.

Center for Genomic Medicine, Rigshospitalet, Copenhagen University Hospital
Classification: Likely benign. Last evaluated: 2025-03-04. Review status: criteria provided, single submitter. Criteria: ACMG Guidelines, 2015. Collection method: clinical testing. Allele origin: germline.

Blueprint Genetics
Classification: Likely benign. Last evaluated: 2024-11-08. Review status: criteria provided, single submitter. Criteria: ACMG Guidelines, 2015. Collection method: clinical testing. Allele origin: germline.

Laboratory for Molecular Medicine, Mass General Brigham Personalized Medicine
Classification: Benign. Last evaluated: 2022-08-26. Review status: criteria provided, single submitter. Criteria: ACMG Guidelines, 2015. Collection method: clinical testing. Allele origin: germline.
Comment: The c.1236-3_1236-2insTT variant in ATM is classified as benign because it has not been reported in individuals with disease, is located in the 3' splice region but computational tools do not predict a splicing impact and affects a multiallelic stretch of Ts. ACMG/AMP criteria applied: BA1

Department of Pathology and Laboratory Medicine, Sinai Health System
Classification: Benign for ATM-related cancer predisposition. Last evaluated: 2021-09-17. Review status: criteria provided, single submitter. Criteria: ACMG Guidelines, 2015. Collection method: clinical testing. Allele origin: germline. Affected: yes.

Clinical Genetics DNA and cytogenetics Diagnostics Lab, Erasmus MC, Erasmus Medical Center
Classification: Benign. Review status: no assertion criteria provided. Collection method: clinical testing. Allele origin: germline. Affected: yes. Study: VKGL Data-share Consensus. Not counted in ClinVar's aggregate classification.

Laboratory of Diagnostic Genome Analysis, Leiden University Medical Center (LUMC)
Classification: Benign. Review status: no assertion criteria provided. Collection method: clinical testing. Allele origin: germline. Affected: yes. Study: VKGL Data-share Consensus. Not counted in ClinVar's aggregate classification.